The following is an entry in ClinVar:

ClinVar aggregate classification (germline): Uncertain significance. Review status: criteria provided, multiple submitters, no conflicts (2 of 4 stars). 2 submissions from 2 submitters: Uncertain significance (2). Last evaluated 2026-04-16.

Conditions:
Developmental and epileptic encephalopathy, 5 (DEE5). Identifiers: Orphanet 3451, MedGen C3150731, MONDO:0013277, OMIM 613477.

Submissions (2):

GeneDx
Classification: Uncertain significance. Last evaluated: 2026-04-16. Review status: criteria provided, single submitter. Criteria: GeneDx Variant Classification Process June 2021. Collection method: clinical testing. Allele origin: germline.
Comment: Reported previously as a de novo variant in a cohort of patients with developmental disorders; however, no further clinical information was provided (PMID: 33057194); Not observed at significant frequency in large population cohorts (gnomAD); In silico analysis suggests that this missense variant does not alter protein structure/function; This variant is associated with the following publications: (PMID: 35982159, 33057194)

Dasa
Classification: Uncertain significance for Developmental and epileptic encephalopathy, 5. Last evaluated: 2025-10-20. Review status: criteria provided, single submitter. Criteria: DASA Assertion Criteria. Collection method: clinical testing. Allele origin: germline.
Comment: NM_001130438.3(SPTAN1):c.3257T>C (p.Met1086Thr) is a missense variant that results in the substitution of methionine with threonine. This variant is absent from population databases. The currently available literature and clinical evidence are not sufficient to establish a definitive association between this variant and the reported condition. Therefore, this variant is classified as a variant of uncertain significance.

NM_001130438.3(SPTAN1):c.3257T>C (p.Met1086Thr)

Gene: SPTAN1 (spectrin alpha, non-erythrocytic 1; plus strand). Cytogenetic location: 9q34.11.
Variant type: single nucleotide variant.
Coding change: c.3257T>C on transcript NM_001130438.3 (MANE Select); coding-DNA position 3257, T replaced by C.
Protein change: p.Met1086Thr; replaces methionine 1086 with threonine.
Molecular consequence: missense variant.
Genome position (GRCh38, 1-based): chr9:128,594,216, T>C. VCF-style: chr9-128594216-T-C. GRCh37 (hg19) VCF-style: chr9-131356495-T-C.
Other names: c.3197T>C, p.Met1066Thr (NM_001195532.2, NM_001363765.2, NM_001375314.2 and 3 more transcripts); c.3257T>C, p.Met1086Thr (NM_001363759.2, NM_001375310.1, NM_001375311.2 and 4 more transcripts); c.3293T>C, p.Met1098Thr (NM_001375312.2, NM_001375318.1, NM_001438440.1); c.3257T>C (NM_001130438.2); short protein forms M1066T, M1086T, M1098T.
Identifiers: ClinVar variation 4881493 (VCV004881493.3).